The following is an entry in ClinVar:

ClinVar aggregate classification (germline): Uncertain significance. Review status: criteria provided, multiple submitters, no conflicts (2 of 4 stars). 2 submissions from 2 submitters: Uncertain significance (2). Last evaluated 2024-03-06.

Conditions:
Familial thoracic aortic aneurysm and aortic dissection (TAAD). Also called: Thoracic aortic aneurysms and dissections. Identifiers: Orphanet 91387, MedGen C4707243, MONDO:0019625.
Geleophysic dysplasia 2 (GPHYSD2). Identifiers: Orphanet 2623, MedGen C3280054, MONDO:0013612, OMIM 614185.
Acromicric dysplasia (ACMICD). Also called: Acromicric skeletal dysplasia. Identifiers: Orphanet 969, MedGen C0265287, MONDO:0007055, OMIM 102370.
Weill-Marchesani syndrome 2, dominant. Also called: FBN1-Related Weill-Marchesani Syndrome; Weill-Marchesani Syndrome, Autosomal Dominant. Identifiers: Orphanet 2084, MedGen C1869115, MONDO:0012013, OMIM 608328.
Marfan syndrome (MFS). Also called: Marfan syndrome type 1; Marfan's syndrome; FBN1-Related Marfan Syndrome; MARFAN SYNDROME, TYPE I; Marfan syndrome, classic. Identifiers: Orphanet 284963, Orphanet 558, MedGen C0024796, MONDO:0007947, OMIM 154700.
Ectopia lentis 1, isolated, autosomal dominant (ECTOL1). Identifiers: Orphanet 1885, MedGen C3541518, MONDO:0007514, OMIM 129600.
Progeroid and marfanoid aspect-lipodystrophy syndrome. Also called: MARFANOID-PROGEROID-LIPODYSTROPHY SYNDROME; MARFANOID-PROGEROID SYNDROME; MARFAN-PROGEROID-LIPODYSTROPHY SYNDROME; Marfan lipodystrophy syndrome. Identifiers: Orphanet 300382, MedGen C4310796, MONDO:0014831, OMIM 616914.
Stiff skin syndrome (SSKS). Identifiers: Orphanet 2833, MedGen C1861456, MONDO:0008492, OMIM 184900.
MASS syndrome (OCTD). Also called: MASS PHENOTYPE; OVERLAP CONNECTIVE TISSUE DISEASE. Identifiers: MedGen C1858556, MONDO:0011431, OMIM 604308.

Submissions (2):

Color Diagnostics, LLC DBA Color Health
Classification: Uncertain significance for Familial thoracic aortic aneurysm and aortic dissection. Last evaluated: 2024-03-06. Review status: criteria provided, single submitter. Criteria: ACMG Guidelines, 2015. Collection method: clinical testing. Allele origin: germline.
Comment: This missense variant replaces glycine with arginine at codon 267 of the FBN1 protein. Computational prediction suggests that this variant may have deleterious impact on protein structure and function (internally defined REVEL score threshold >= 0.7, PMID: 27666373). To our knowledge, functional studies have not been reported for this variant. This variant has not been reported in individuals affected with cardiovascular disorders in the literature. This variant has not been identified in the general population by the Genome Aggregation Database (gnomAD). The available evidence is insufficient to determine the role of this variant in disease conclusively. Therefore, this variant is classified as a Variant of Uncertain Significance.

Fulgent Genetics
Classification: Uncertain significance for Acromicric dysplasia; Ectopia lentis 1, isolated, autosomal dominant; Marfan syndrome; Stiff skin syndrome; MASS syndrome; Weill-Marchesani syndrome 2, dominant; Geleophysic dysplasia 2; Progeroid and marfanoid aspect-lipodystrophy syndrome. Last evaluated: 2021-07-21. Review status: criteria provided, single submitter. Criteria: ACMG Guidelines, 2015. Collection method: clinical testing. Allele origin: unknown.

NM_000138.5(FBN1):c.799G>C (p.Gly267Arg)

Gene: FBN1 (fibrillin 1; minus strand). Cytogenetic location: 15q21.1.
Variant type: single nucleotide variant.
Coding change: c.799G>C on transcript NM_000138.5 (MANE Select); coding-DNA position 799, G replaced by C.
Protein change: p.Gly267Arg; replaces glycine 267 with arginine.
Molecular consequence: missense variant.
Genome position (GRCh38, 1-based): chr15:48,534,143, C>G on the plus strand (G>C on the coding strand, the complement: FBN1 is on the minus strand). VCF-style: chr15-48534143-C-G. GRCh37 (hg19) VCF-style: chr15-48826340-C-G.
Other names: short protein forms G267R.
Identifiers: ClinVar variation 1332159 (VCV001332159.4), dbSNP rs2141353715, ClinGen allele CA392352558.